The following is an entry in ClinVar:

NM_000393.5(COL5A2):c.31C>A (p.Leu11Ile)

Gene: COL5A2 (collagen type V alpha 2 chain; minus strand). Cytogenetic location: 2q32.2.
Variant type: single nucleotide variant.
Coding change: c.31C>A on transcript NM_000393.5 (MANE Select); coding-DNA position 31, C replaced by A.
Protein change: p.Leu11Ile; replaces leucine 11 with isoleucine.
Molecular consequence: missense variant.
Genome position (GRCh38, 1-based): chr2:189,179,574, G>T on the plus strand (C>A on the coding strand, the complement: COL5A2 is on the minus strand). VCF-style: chr2-189179574-G-T. GRCh37 (hg19) VCF-style: chr2-190044300-G-T.
Other names: short protein forms L11I.
Identifiers: ClinVar variation 653780 (VCV000653780.10), dbSNP rs1576577162, ClinGen allele CA349986303.

ClinVar aggregate classification (germline): Uncertain significance (1 of 4 stars; one submission).

Conditions:
Ehlers-Danlos syndrome, classic type, 1 (EDSCL1). Also called: EDS I; EHLERS-DANLOS SYNDROME, GRAVIS TYPE; EHLERS-DANLOS SYNDROME, SEVERE CLASSIC TYPE; Ehlers-Danlos Syndrome, Classic Type, COL5A1-Related; Ehlers-Danlos syndrome, type 1. Identifiers: MedGen C0268335, MONDO:0019567, OMIM 130000.

Allele frequency attached by ClinVar (database versions not stated): TOPMed below 0.00001.
gnomAD v4.1: 1 of 1,609,528 alleles (0.000062%); highest among the groups gnomAD compares: Non-Finnish European, 0.000085%; no homozygotes.

Submission:

Labcorp Genetics (formerly Invitae), Labcorp
Classification: Uncertain significance for Ehlers-Danlos syndrome, classic type, 1. Last evaluated: 2024-05-24. Review status: criteria provided, single submitter. Criteria: Invitae Variant Classification Sherloc (09022015). Collection method: clinical testing. Allele origin: germline.
Comment: This sequence change replaces leucine, which is neutral and non-polar, with isoleucine, which is neutral and non-polar, at codon 11 of the COL5A2 protein (p.Leu11Ile). This variant is not present in population databases (gnomAD no frequency). This missense change has been observed in individual(s) with clinical features of Ehlers-Danlos syndrome (PMID: 30675029). ClinVar contains an entry for this variant (Variation ID: 653780). Advanced modeling of protein sequence and biophysical properties (such as structural, functional, and spatial information, amino acid conservation, physicochemical variation, residue mobility, and thermodynamic stability) performed at Invitae indicates that this missense variant is not expected to disrupt COL5A2 protein function with a negative predictive value of 95%. In summary, the available evidence is currently insufficient to determine the role of this variant in disease. Therefore, it has been classified as a Variant of Uncertain Significance.

Literature cited by the submitters: PubMed 30675029.